The following is an entry in ClinVar:

NM_003322.6(TULP1):c.676_679delinsATT (p.Val226fs)

Gene: TULP1 (TUB like protein 1; minus strand). Cytogenetic location: 6p21.31.
Variant type: Indel.
Coding change: c.676_679delinsATT on transcript NM_003322.6 (MANE Select); coding-DNA positions 676 to 679, GTTG replaced by ATT.
Protein change: p.Val226fs; shifts the reading frame from valine 226.
Molecular consequence: frameshift variant.
Genome position (GRCh38, 1-based): chr6:35,509,673-35,509,676, CAAC replaced by AAT on the plus strand (GTTG replaced by ATT on the coding strand, the reverse complement: TULP1 is on the minus strand). VCF-style: chr6-35509673-CAAC-AAT. GRCh37 (hg19) VCF-style: chr6-35477450-CAAC-AAT.
Other names: c.517_520delinsATT, p.Val173fs (NM_001289395.2); short protein forms V173fs, V226fs.
Identifiers: ClinVar variation 970253 (VCV000970253.5), dbSNP rs1761157188, ClinGen allele CA1139659490.
Genomic context (GRCh38, chr6:35,509,673, plus strand): 5'-CCAGAAGCCCTTGCCATCCACCTTTCTTCTTCAGGGCTTTCTTGTCAGGACTGCCTTCCC[CAAC>AAT]CAGAAACATGGCTGCTGGGCTCTTCCTCGCACTGGCTGGGCTCCCTGAGGGGTCCTTGTC-3'

ClinVar aggregate classification (germline): Pathogenic (1 of 4 stars; one submission).

Submission:

Labcorp Genetics (formerly Invitae), Labcorp
Classification: Pathogenic. Last evaluated: 2021-01-14. Review status: criteria provided, single submitter. Criteria: Invitae Variant Classification Sherloc (09022015). Collection method: clinical testing. Allele origin: germline.
Comment: For these reasons, this variant has been classified as Pathogenic. Loss-of-function variants in TULP1 are known to be pathogenic (PMID: 8606774, 10549638, 15024725, 18055821). This variant has not been reported in the literature in individuals with TULP1-related conditions. This variant is not present in population databases (ExAC no frequency). This sequence change creates a premature translational stop signal (p.Val226Ilefs*11) in the TULP1 gene. It is expected to result in an absent or disrupted protein product.

Literature cited by the submitters: PubMed 8606774; PubMed 10549638; PubMed 15024725; PubMed 18055821.